The following is an entry in ClinVar:

NM_001365536.1(SCN9A):c.4307A>C (p.Tyr1436Ser)

Genes: SCN1A-AS1 (SCN1A and SCN9A antisense RNA 1; plus strand), SCN9A (sodium voltage-gated channel alpha subunit 9; minus strand). Cytogenetic location: 2q24.3.
Variant type: single nucleotide variant.
Coding change: c.4307A>C on transcript NM_001365536.1 (MANE Select); coding-DNA position 4307, A replaced by C.
Protein change: p.Tyr1436Ser; replaces tyrosine 1436 with serine.
Molecular consequence: missense variant.
Genome position (GRCh38, 1-based): chr2:166,226,658, T>G on the plus strand (A>C on the coding strand, the complement: SCN9A is on the minus strand). VCF-style: chr2-166226658-T-G. GRCh37 (hg19) VCF-style: chr2-167083168-T-G.
Other names: c.4274A>C, p.Tyr1425Ser (NM_002977.4); short protein forms Y1425S, Y1436S.
Identifiers: ClinVar variation 646783 (VCV000646783.9), dbSNP rs1574756439, ClinGen allele CA349062023.

ClinVar aggregate classification (germline): Uncertain significance (1 of 4 stars; one submission).

Conditions:
Neuropathy, hereditary sensory and autonomic, type 2A (HSAN2A). Also called: WNK1-Related HSAN2 (HSAN2A); HSAN IIA; NEUROPATHY, CONGENITAL SENSORY; MORVAN DISEASE; ACROOSTEOLYSIS, GIACCAI TYPE; ACROOSTEOLYSIS, NEUROGENIC. Identifiers: Orphanet 970, MedGen C2752089, MONDO:0024309, OMIM 201300.
Generalized epilepsy with febrile seizures plus, type 7 (GEFSP7). Also called: GEFS+, TYPE 7. Identifiers: Orphanet 36387, MedGen C2751778, MONDO:0013470, OMIM 613863.

Allele frequency attached by ClinVar (database versions not stated): TOPMed below 0.00001; gnomAD 0.00001; gnomAD exomes 0.00001.
gnomAD v4.1: 15 of 1,591,676 alleles (0.00094%); highest among the groups gnomAD compares: Non-Finnish European, 0.0013%; no homozygotes.

Submission:

Labcorp Genetics (formerly Invitae), Labcorp
Classification: Uncertain significance for Neuropathy, hereditary sensory and autonomic, type 2A; Generalized epilepsy with febrile seizures plus, type 7. Last evaluated: 2018-10-24. Review status: criteria provided, single submitter. Criteria: Invitae Variant Classification Sherloc (09022015). Collection method: clinical testing. Allele origin: germline.
Comment: This variant is not present in population databases (ExAC no frequency). This variant has not been reported in the literature in individuals with SCN9A-related disease. Algorithms developed to predict the effect of missense changes on protein structure and function (SIFT, PolyPhen-2, Align-GVGD) all suggest that this variant is likely to be disruptive, but these predictions have not been confirmed by published functional studies and their clinical significance is uncertain. In summary, the available evidence is currently insufficient to determine the role of this variant in disease. Therefore, it has been classified as a Variant of Uncertain Significance. This sequence change replaces tyrosine with serine at codon 1425 of the SCN9A protein (p.Tyr1425Ser). The tyrosine residue is highly conserved and there is a large physicochemical difference between tyrosine and serine.